The following is an entry in ClinVar:

NC_000009.12:g.(?_304561)_(464239_?)del

Gene: DOCK8 (dedicator of cytokinesis 8; plus strand). Cytogenetic location: 9p24.3.
Variant type: Deletion.
Identifiers: ClinVar variation 468735 (VCV000468735.1).

ClinVar aggregate classification (germline): Pathogenic (1 of 4 stars; one submission).

Conditions:
Combined immunodeficiency due to DOCK8 deficiency (HIES2). Also called: HIES autosomal recessive; Hyper-IgE recurrent infection syndrome, autosomal recessive; HYPER-IgE SYNDROME 2, AUTOSOMAL RECESSIVE, WITH RECURRENT INFECTIONS; DOCK8 Deficiency; HYPER-IgE RECURRENT INFECTION SYNDROME 2, AUTOSOMAL RECESSIVE. Identifiers: Orphanet 217390, MedGen C4722305, MONDO:0009478, OMIM 243700.

Submission:

Labcorp Genetics (formerly Invitae), Labcorp
Classification: Pathogenic for Combined immunodeficiency due to DOCK8 deficiency. Last evaluated: 2017-11-06. Review status: criteria provided, single submitter. Criteria: Invitae Variant Classification Sherloc (09022015). Collection method: clinical testing. Allele origin: germline.
Comment: This variant is a gross deletion of the genomic region encompassing exons 3-48 of the DOCK8 gene. The 5' boundary is likely confined to intron 2. The 3' end of this event is unknown as it extends through the termination codon beyond the assayed region for this gene and may encompass additional genes. While this deletion is not anticipated to result in nonsense mediated decay, it is expected to create a severely truncated protein product or disrupt mRNA translation. Deletions of exons 3-48 have not been reported in the literature in individuals with DOCK8-related disease. Loss-of-function variants in DOCK8 are known to be pathogenic (PMID: 14722525, 19776401). For these reasons, this variant has been classified as Pathogenic.